The following is an entry in ClinVar:

NM_000090.4(COL3A1):c.1781G>C (p.Gly594Ala)

Gene: COL3A1 (collagen type III alpha 1 chain; plus strand). Cytogenetic location: 2q32.2.
Variant type: single nucleotide variant.
Coding change: c.1781G>C on transcript NM_000090.4 (MANE Select); coding-DNA position 1781, G replaced by C.
Protein change: p.Gly594Ala; replaces glycine 594 with alanine.
Molecular consequence: missense variant.
Genome position (GRCh38, 1-based): chr2:188,997,184, G>C. VCF-style: chr2-188997184-G-C. GRCh37 (hg19) VCF-style: chr2-189861910-G-C.
Other names: short protein forms G594A.
Identifiers: ClinVar variation 4847123 (VCV004847123.1).

ClinVar aggregate classification (germline): Likely pathogenic (1 of 4 stars; one submission).

Conditions:
Polymicrogyria with or without vascular-type Ehlers-Danlos syndrome. Identifiers: Orphanet 636941, MedGen C5193040, MONDO:0032688, OMIM 618343.

Submission:

Women's Health and Genetics/Laboratory Corporation of America, LabCorp
Classification: Likely pathogenic for Polymicrogyria with or without vascular-type Ehlers-Danlos syndrome. Last evaluated: 2026-03-18. Review status: criteria provided, single submitter. Criteria: LabCorp Variant Classification Summary - May 2015. Collection method: clinical testing. Allele origin: germline.
Comment: Variant summary: COL3A1 c.1781G>C (p.Gly594Ala) results in a non-conservative amino acid change in the encoded protein sequence. Algorithms developed to predict the effect of missense changes on protein structure and function all suggest that this variant is likely to be disruptive. The variant was absent in 251378 control chromosomes. To our knowledge, no occurrence of c.1781G>C in individuals affected with COL3A1-related conditions and no experimental evidence demonstrating its impact on protein function have been reported. This variant disrupts the triple helix domain of COL3A1. Glycine residues within the Gly-Xaa-Yaa repeats of the triple helix domain are required for the structure and stability of fibrillar collagens (PMID: 7695699, 8218237, 19344236). No submitters have cited clinical-significance assessments for this variant to ClinVar. Based on the evidence outlined above, the variant was classified as likely pathogenic.